The following is an entry in ClinVar:

ClinVar aggregate classification (germline): Pathogenic (1 of 4 stars; one submission).

Conditions:
Marfan syndrome (MFS). Also called: MARFAN SYNDROME, TYPE I; Marfan syndrome type 1; Marfan's syndrome; Marfan syndrome, classic; FBN1-Related Marfan Syndrome. Identifiers: Orphanet 284963, Orphanet 558, MedGen C0024796, MONDO:0007947, OMIM 154700.
Familial thoracic aortic aneurysm and aortic dissection (TAAD). Also called: Thoracic aortic aneurysms and dissections. Identifiers: Orphanet 91387, MedGen C4707243, MONDO:0019625.

Submission:

Labcorp Genetics (formerly Invitae), Labcorp
Classification: Pathogenic for Marfan syndrome; Familial thoracic aortic aneurysm and aortic dissection. Last evaluated: 2025-01-27. Review status: criteria provided, single submitter. Criteria: Invitae Variant Classification Sherloc (09022015). Collection method: clinical testing. Allele origin: germline.
Comment: This sequence change replaces cysteine, which is neutral and slightly polar, with glycine, which is neutral and non-polar, at codon 2590 of the FBN1 protein (p.Cys2590Gly). This variant is not present in population databases (gnomAD no frequency). This missense change has been observed in individual(s) with clinical features of Marfan syndrome (internal data). ClinVar contains an entry for this variant (Variation ID: 2953644). Invitae Evidence Modeling of protein sequence and biophysical properties (such as structural, functional, and spatial information, amino acid conservation, physicochemical variation, residue mobility, and thermodynamic stability) indicates that this missense variant is expected to disrupt FBN1 protein function with a positive predictive value of 95%. This variant affects a cysteine residue in the EGF-like, TGFBP or hybrid motif domains of FBN1. Cysteine residues are believed to be involved in intramolecular disulfide bridges and have been shown to be important for FBN1 protein structure (PMID: 16905551, 19349279). In addition, missense substitutions affecting cysteine residues within these domains are significantly overrepresented among patients with Marfan syndrome (PMID: 16571647, 17701892). This variant disrupts the p.Cys2590 amino acid residue in FBN1. Other variant(s) that disrupt this residue have been observed in individuals with FBN1-related conditions (PMID: 19293843), which suggests that this may be a clinically significant amino acid residue. For these reasons, this variant has been classified as Pathogenic.

Literature cited by the submitters: PubMed 16905551; PubMed 19349279; PubMed 16571647; PubMed 17701892; PubMed 19293843.

NM_000138.5(FBN1):c.7768T>G (p.Cys2590Gly)

Gene: FBN1 (fibrillin 1; minus strand). Cytogenetic location: 15q21.1.
Variant type: single nucleotide variant.
Coding change: c.7768T>G on transcript NM_000138.5 (MANE Select); coding-DNA position 7768, T replaced by G.
Protein change: p.Cys2590Gly; replaces cysteine 2590 with glycine.
Molecular consequence: missense variant.
Genome position (GRCh38, 1-based): chr15:48,420,738, A>C on the plus strand (T>G on the coding strand, the complement: FBN1 is on the minus strand). VCF-style: chr15-48420738-A-C. GRCh37 (hg19) VCF-style: chr15-48712935-A-C.
Other names: c.7768T>G, p.Cys2590Gly (NM_001406716.1); short protein forms C2590G.
Identifiers: ClinVar variation 2953644 (VCV002953644.3), dbSNP rs1597512652, ClinGen allele CA392324642.